The following is an entry in ClinVar:

ClinVar aggregate classification (germline): Likely benign (1 of 4 stars; one submission).

Allele frequency attached by ClinVar (database versions not stated): ExAC 0.00276; 1000 Genomes Project 30x 0.00281; 1000 Genomes Project 0.00319; TOPMed 0.00474; gnomAD 0.00599; gnomAD exomes 0.00744.
gnomAD v4.1: 11,113 of 1,536,050 alleles (0.72%); highest among the groups gnomAD compares: Non-Finnish European, 0.84%; 54 homozygotes.

Submission:

CeGaT Center for Human Genetics Tuebingen
Classification: Likely benign. Last evaluated: 2024-01-01. Review status: criteria provided, single submitter. Criteria: CeGaT Center For Human Genetics Tuebingen Variant Classification Criteria Version 2. Collection method: clinical testing. Allele origin: germline. Affected: yes. Observed: 1 variant allele.
Comment: BIRC5: BS2

NM_001168.3(BIRC5):c.340-638G>A

Gene: BIRC5 (baculoviral IAP repeat containing 5; plus strand). Cytogenetic location: 17q25.3.
Variant type: single nucleotide variant.
Coding change: c.340-638G>A on transcript NM_001168.3 (MANE Select); 638 bases into the intron before coding-DNA position 340, G replaced by A.
Molecular consequence: intron variant.
Genome position (GRCh38, 1-based): chr17:78,222,827, G>A. VCF-style: chr17-78222827-G-A. GRCh37 (hg19) VCF-style: chr17-76218908-G-A.
Other names: c.409-638G>A (NM_001012271.2); c.222-638G>A (NM_001012270.2).
Identifiers: ClinVar variation 3024828 (VCV003024828.22), dbSNP rs79069105, ClinGen allele CA8798621.
Genomic context (GRCh38, chr17:78,222,827, plus strand): 5'-AAAAATATGGTAGGGAAGGGGGTCCCTGGATTTGCTAATGTGATTGTCATTTGCCCCTTA[G>A]GAGAGAGCTCTGTTAGCAGAATGAAAAAATTGGAAGCCAGATTCAGGGAGGGACTGGAAG-3'